The following is an entry in ClinVar:

ClinVar aggregate classification (germline): Uncertain significance (1 of 4 stars; one submission).

Submission:

GeneDx
Classification: Uncertain significance. Last evaluated: 2019-02-15. Review status: criteria provided, single submitter. Criteria: GeneDx Variant Classification Process June 2021. Collection method: clinical testing. Allele origin: germline. Affected: yes.
Comment: Not observed [at a significant frequency] in large population cohorts (Lek et al., 2016; McVean et al., 2012; Exome Variant Server); In silico analysis, which includes protein predictors and evolutionary conservation, supports that this variant does not alter protein structure/function; Has not been previously published as pathogenic or benign to our knowledge

NM_012330.4(KAT6B):c.1783A>T (p.Ser595Cys)

Gene: KAT6B (lysine acetyltransferase 6B; plus strand). Cytogenetic location: 10q22.2.
Variant type: single nucleotide variant.
Coding change: c.1783A>T on transcript NM_012330.4 (MANE Select); coding-DNA position 1783, A replaced by T.
Protein change: p.Ser595Cys; replaces serine 595 with cysteine.
Molecular consequence: missense variant. On other transcripts: intron variant (13).
Genome position (GRCh38, 1-based): chr10:74,976,120, A>T. VCF-style: chr10-74976120-A-T. GRCh37 (hg19) VCF-style: chr10-76735878-A-T.
Other names: c.1783A>T, p.Ser595Cys (NM_001370136.1, NM_001370137.1); c.1117+666A>T (NM_001370139.1, NM_001370140.1, NM_001370141.1 and 3 more transcripts); c.1444+339A>T (NM_001370138.1, NM_001256468.2); c.846+6345A>T (NM_001370133.1); c.193-3104A>T (NM_001370134.1); c.929-1196A>T (NM_001370143.1, NM_001370144.1); c.193-12899A>T (NM_001370135.1); short protein forms S595C.
Identifiers: ClinVar variation 1305170 (VCV001305170.2), dbSNP rs2133730250, ClinGen allele CA377288287.
Genomic context (GRCh38, chr10:74,976,120, plus strand): 5'-ACTGAATTATCTTCCACGGCAAAATCTAAAGCCCACTTCTTTGGCAAAAGAGATATTAGA[A>T]GTCGGTTTATTTCTCACTCCTCCTCCTCTAGCTGGGGGATGGCTAGAGGAAGTATTTTTA-3'
Protein context (NP_036462.2, residues 585-605): AHFFGKRDIR[Ser595Cys]RFISHSSSSS